The following is an entry in ClinVar:

NM_004646.4(NPHS1):c.614_621delinsTT (p.Thr205_Arg207delinsIle)

Gene: NPHS1 (NPHS1 adhesion molecule, nephrin; minus strand). Cytogenetic location: 19q13.12.
Variant type: Indel.
Coding change: c.614_621delinsTT on transcript NM_004646.4 (MANE Select); coding-DNA positions 614 to 621, CACCCCGG replaced by TT.
Protein change: p.Thr205_Arg207delinsIle.
Molecular consequence: inframe indel.
Genome position (GRCh38, 1-based): chr19:35,849,641-35,849,648, CCGGGGTG replaced by AA on the plus strand (CACCCCGG replaced by TT on the coding strand, the reverse complement: NPHS1 is on the minus strand). VCF-style: chr19-35849641-CCGGGGTG-AA. GRCh37 (hg19) VCF-style: chr19-36340543-CCGGGGTG-AA.
Other names: c.614_621delCACCCCGGinsTT (NM_004646.3).
Identifiers: ClinVar variation 56518 (VCV000056518.14), dbSNP rs1555763603, ClinGen allele CA250263.

ClinVar aggregate classification (germline): Pathogenic/Likely pathogenic. Review status: criteria provided, multiple submitters, no conflicts (2 of 4 stars). 8 submissions from 8 submitters: Pathogenic (5); Likely pathogenic (1). 2 of the submissions do not count toward it. Last evaluated 2025-09-12.

Conditions:
NPHS1-related disorder. Also called: NPHS1-related condition.
Nephrotic syndrome. Identifiers: MedGen C0027726, MONDO:0005377, HP:0000100.
Finnish congenital nephrotic syndrome (NPHS1). Also called: NEPHROTIC SYNDROME, TYPE 1. Identifiers: Orphanet 839, MedGen C0403399, MONDO:0009732, OMIM 256300.

Submissions (8):

Natera, Inc.
Classification: Pathogenic for Finnish congenital nephrotic syndrome. Last evaluated: 2025-09-12. Review status: criteria provided, single submitter. Criteria: Natera Variant Classification Schema (03/2026). Collection method: clinical testing. Allele origin: germline.
Comment: The c.614_621delCACCCCGGinsTT variant in NPHS1 is a deletion-insertion (delins) variant predicted to replace one or more nucleotides with a different sequence. This variant is rare in the general population with a frequency below the threshold expected for the associated phenotype(s). This variant has been observed in one or more individuals affected with the associated recessive disease, as either homozygous or compound heterozygous with a second variant (PMID: 33980730, 20507940). This variant results in a change to the protein length while preserving reading frame, which may disrupt normal protein structure or function. Given the available evidence, this variant is classified as Pathogenic.

Blueprint Genetics
Classification: Pathogenic for NPHS1-related disorders. Last evaluated: 2024-08-01. Review status: criteria provided, single submitter. Criteria: ACMG Guidelines, 2015. Collection method: clinical testing. Allele origin: germline. Affected: yes. Observed: 2 variant alleles.

Fulgent Genetics
Classification: Likely pathogenic for Finnish congenital nephrotic syndrome. Last evaluated: 2024-02-29. Review status: criteria provided, single submitter. Criteria: ACMG Guidelines, 2015. Collection method: clinical testing. Allele origin: germline.

Labcorp Genetics (formerly Invitae), Labcorp
Classification: Pathogenic. Last evaluated: 2023-10-31. Review status: criteria provided, single submitter. Criteria: Invitae Variant Classification Sherloc (09022015). Collection method: clinical testing. Allele origin: germline.
Comment: This variant, c.614_621delinsTT, is a complex sequence change that results in the deletion of 3 and insertion of 1 amino acid(s) in the NPHS1 protein (p.Thr205_Arg207delinsIle). Information on the frequency of this variant in the gnomAD database is not available, as this variant may be reported differently in the database. This variant has been observed in individuals with nephrotic syndrome (PMID: 9915943, 33980730, 35278126). This variant disrupts a region of the NPHS1 protein in which other variant(s) (p.Pro206Thr) have been determined to be pathogenic (Invitae). This suggests that this is a clinically significant region of the protein, and that variants that disrupt it are likely to be disease-causing. For these reasons, this variant has been classified as Pathogenic.

Women's Health and Genetics/Laboratory Corporation of America, LabCorp
Classification: Pathogenic for Finnish congenital nephrotic syndrome. Last evaluated: 2018-04-11. Review status: criteria provided, single submitter. Criteria: LabCorp Variant Classification Summary - May 2015. Collection method: clinical testing. Allele origin: germline.
Comment: Variant summary: NPHS1 c.614_621delinsTT (p.Thr205_Arg207delinsIle) results in an in-frame deletion-insertion that is predicted to delete 3 amino acids from the protein (i.e. Thr-Pro-Arg) and also cause the insertion of one amino acid (i.e. an Ile). The variant was absent in 246058 control chromosomes. c.614_621delinsTT has been reported in the literature in multiple individuals affected with Nephrotic Syndrome Type 1, in several cases in a homozygous form (Lenkkeri 1999, Hinkes 2007, Machuca 2010, Buscher 2010). These data indicate that the variant is very likely to be associated with disease. To our knowledge, no experimental evidence demonstrating an impact on protein function has been reported. No clinical diagnostic laboratories have submitted clinical-significance assessments for this variant to ClinVar after 2014. Based on the evidence outlined above, the variant was classified as pathogenic.

Athena Diagnostics
Classification: Pathogenic. Last evaluated: 2017-11-01. Review status: criteria provided, single submitter. Criteria: Athena Diagnostics Criteria. Collection method: clinical testing. Allele origin: germline.

Sydney Genome Diagnostics, Children's Hospital Westmead
Classification: Likely pathogenic for Nephrotic syndrome. Last evaluated: 2019-05-10. Review status: no assertion criteria provided. Collection method: clinical testing. Allele origin: unknown. Affected: yes. Observed: 1 variant allele, 1 compound heterozygote. Not counted in ClinVar's aggregate classification.
Comment: This variant has not been reported in any population databases (i.e. gnomAD, ExAC, ESP or dbSNP). The p.Thr205_Arg207delinsIle (c.614_621delinsTT) variant has been described previously in patients with congenital nephrotic syndrome (CNS) in homozygous state (Lenkkeri et al 1999 Am J Hum Genet 64: 51-61; Koziell et al 2002 Hum Mol Genet 11: 379-388 - see comment for nomenclature), as well as compound heterzygous with another NPHS1 variant in a CNS patient who developed end stage renal disease (Schoeb et al 2010 Nephrol Dial Transplant 25: 2970-2976). This variant is considered to be likely pathogenic according to the ACMG guidelines (Evidence used: PM2, PM3, PM4).

Juha Muilu Group; Institute for Molecular Medicine Finland (FIMM)
Classification: Likely pathogenic for Finnish congenital nephrotic syndrome. Review status: no assertion criteria provided. Collection method: not provided. Allele origin: unknown. Not counted in ClinVar's aggregate classification.
Comment: FinDis database variant: FinDis database variant: This variant was not found or characterized by our laboratory, data were collected from public sources: see reference
ClinVar note: Converted during submission from probable-pathogenic to Likely pathogenic.

Literature cited by the submitters: PubMed 33980730 (cited by Natera, Inc. and Labcorp Genetics (formerly Invitae), Labcorp); PubMed 20507940 (cited by Natera, Inc. and Women's Health and Genetics/Laboratory Corporation of America, LabCorp); PubMed 9915943 (cited by 3 submitters); PubMed 35278126 (cited by Labcorp Genetics (formerly Invitae), Labcorp); PubMed 20798252 (cited by Women's Health and Genetics/Laboratory Corporation of America, LabCorp); PubMed 17371932 (cited by Women's Health and Genetics/Laboratory Corporation of America, LabCorp); PubMed 24902943 (cited by Athena Diagnostics); PubMed 11854170 (cited by Athena Diagnostics); PubMed 18503012 (cited by Athena Diagnostics); PubMed 20172850 (cited by Athena Diagnostics); PubMed 21125408 (cited by Athena Diagnostics); PubMed 26668027 (cited by Athena Diagnostics); PubMed 25720465 (cited by Athena Diagnostics); PubMed 22584503 (cited by Athena Diagnostics).